The following is an entry in ClinVar:

ClinVar aggregate classification (germline): Likely benign (1 of 4 stars; one submission).

Allele frequency attached by ClinVar (database versions not stated): 1000 Genomes Project 0.00319; 1000 Genomes Project 30x 0.00344; gnomAD 0.00447; TOPMed 0.00471; ExAC 0.00546; ESP Exome Variant Server 0.00554; gnomAD exomes 0.00637.
gnomAD v4.1: 9,996 of 1,610,426 alleles (0.62%); highest among the groups gnomAD compares: Middle Eastern, 1%; 59 homozygotes.

Submission:

CeGaT Center for Human Genetics Tuebingen
Classification: Likely benign. Last evaluated: 2023-08-01. Review status: criteria provided, single submitter. Criteria: CeGaT Center For Human Genetics Tuebingen Variant Classification Criteria Version 2. Collection method: clinical testing. Allele origin: germline. Affected: yes. Observed: 2 variant alleles.
Comment: C14orf39: BP4, BP7, BS2

NM_174978.3(C14orf39):c.462A>G (p.Ala154=)

Gene: C14orf39 (chromosome 14 open reading frame 39; minus strand). Cytogenetic location: 14q23.1.
Variant type: single nucleotide variant.
Coding change: c.462A>G on transcript NM_174978.3 (MANE Select); coding-DNA position 462, A replaced by G.
Protein change: p.Ala154=; no amino-acid change (alanine 154 retained).
Molecular consequence: synonymous variant.
Genome position (GRCh38, 1-based): chr14:60,471,601, T>C on the plus strand (A>G on the coding strand, the complement: C14orf39 is on the minus strand). VCF-style: chr14-60471601-T-C. GRCh37 (hg19) VCF-style: chr14-60938319-T-C.
Identifiers: ClinVar variation 2644269 (VCV002644269.24), dbSNP rs35543839, ClinGen allele CA7212368.
Genomic context (GRCh38, chr14:60,471,601, plus strand): 5'-AATATTAATACCTCGAAATTTCATAAAAATTGTTTCATTCATTTTTAATTGTTCAGTACA[T>C]GCCAACACTCTGCTTTGAATTTCTTCATGTTCTCTTTTCTTCTCATAATATTCACGTGAA-3'
Protein context (NP_777638.3, residues 144-164): EHEEIQSRVL[Ala154=]CTEQLKMNET